The following is an entry in ClinVar:

ClinVar aggregate classification (germline): Conflicting classifications of pathogenicity. Review status: criteria provided, conflicting classifications (1 of 4 stars). 6 submissions from 6 submitters: Uncertain significance (4); Likely benign (2). Last evaluated 2026-01-20.

Conditions:
Hypokalemic periodic paralysis, type 1. Also called: Hypokalemic Periodic Paralysis Type 1 (AD); HypoPP. Identifiers: Orphanet 681, MedGen C3714580, MONDO:0042979, OMIM 170400.
Malignant hyperthermia, susceptibility to, 5 (MHS5). Also called: CACNA1S-Related Malignant Hyperthermia Susceptibility. Identifiers: Orphanet 423, MedGen C1866077, MONDO:0011163, OMIM 601887.

Allele frequency attached by ClinVar (database versions not stated): TOPMed 0.00006; gnomAD exomes 0.00009; ExAC 0.00010.

Submissions (6):

Labcorp Genetics (formerly Invitae), Labcorp
Classification: Uncertain significance for Hypokalemic periodic paralysis, type 1; Malignant hyperthermia, susceptibility to, 5. Last evaluated: 2026-01-20. Review status: criteria provided, single submitter. Criteria: Invitae Variant Classification Sherloc (09022015). Collection method: clinical testing. Allele origin: germline.
Comment: This sequence change replaces arginine, which is basic and polar, with histidine, which is basic and polar, at codon 531 of the CACNA1S protein (p.Arg531His). This variant is present in population databases (rs748711395, gnomAD 0.02%). This variant has not been reported in the literature in individuals affected with CACNA1S-related conditions. ClinVar contains an entry for this variant (Variation ID: 643922). Invitae Evidence Modeling of protein sequence and biophysical properties (such as structural, functional, and spatial information, amino acid conservation, physicochemical variation, residue mobility, and thermodynamic stability) has been performed for this missense variant. However, the output from this modeling did not meet the statistical confidence thresholds required to predict the impact of this variant on CACNA1S protein function. In summary, the available evidence is currently insufficient to determine the role of this variant in disease. Therefore, it has been classified as a Variant of Uncertain Significance.

CeGaT Center for Human Genetics Tuebingen
Classification: Uncertain significance. Last evaluated: 2025-09-01. Review status: criteria provided, single submitter. Criteria: CeGaT Center For Human Genetics Tuebingen Variant Classification Criteria Version 2. Collection method: clinical testing. Allele origin: germline. Affected: yes. Observed: 2 variant alleles.
Comment: CACNA1S: PM2, PP3

GeneDx
Classification: Uncertain significance. Last evaluated: 2025-06-20. Review status: criteria provided, single submitter. Criteria: GeneDx Variant Classification Process June 2021. Collection method: clinical testing. Allele origin: germline. Affected: yes.
Comment: Reported previously in a cohort of patients with schizophrenia; however, no further clinical or segregation information was provided (PMID: 35220405); In silico analysis supports that this missense variant has a deleterious effect on protein structure/function; This variant is associated with the following publications: (PMID: 19118277, 35220405)

Athena Diagnostics
Classification: Likely benign. Last evaluated: 2024-12-19. Review status: criteria provided, single submitter. Criteria: Athena Diagnostics Criteria. Collection method: clinical testing. Allele origin: unknown.
Comment: The frequency of this variant in the general population is higher than would generally be expected for pathogenic variants in this gene. This variant has been seen where an alternate explanation for disease was also identified.

Color Diagnostics, LLC DBA Color Health
Classification: Uncertain significance for Malignant hyperthermia, susceptibility to, 5. Last evaluated: 2024-04-17. Review status: criteria provided, single submitter. Criteria: ACMG Guidelines, 2015. Collection method: clinical testing. Allele origin: germline.
Comment: This missense variant replaces arginine with histidine at codon 531 of the CACNA1S protein. Computational prediction suggests that this variant may have deleterious impact on protein structure and function. To our knowledge, functional studies have not been reported for this variant. This variant has not been reported in individuals affected with CACNA1S-related disorders in the literature. This variant has been identified in 24/282280 chromosomes in the general population by the Genome Aggregation Database (gnomAD). The available evidence is insufficient to determine the role of this variant in disease conclusively. Therefore, this variant is classified as a Variant of Uncertain Significance.

Illumina Laboratory Services, Illumina
Classification: Likely benign for Hypokalemic periodic paralysis, type 1. Last evaluated: 2018-01-13. Review status: criteria provided, single submitter. Criteria: ICSL Variant Classification Criteria 13 December 2019. Collection method: clinical testing. Allele origin: germline.
Comment: This variant was observed in the ICSL laboratory as part of a predisposition screen in an ostensibly healthy population. It had not been previously curated by ICSL or reported in the Human Gene Mutation Database (HGMD: prior to June 1st, 2018), and was therefore a candidate for classification through an automated scoring system. Utilizing variant allele frequency, disease prevalence and penetrance estimates, and inheritance mode, an automated score was calculated to assess if this variant is too frequent to cause the disease. Based on the score and internal cut-off values, a variant classified as likely benign is not then subjected to further curation. The score for this variant resulted in a classification of likely benign for this disease.

Literature cited by the submitters: PubMed 35220405 (cited by Athena Diagnostics); PubMed 37926714 (cited by Athena Diagnostics).

NM_000069.3(CACNA1S):c.1592G>A (p.Arg531His)

Gene: CACNA1S (calcium voltage-gated channel subunit alpha1 S; minus strand). Cytogenetic location: 1q32.1.
Variant type: single nucleotide variant.
Coding change: c.1592G>A on transcript NM_000069.3 (MANE Select); coding-DNA position 1592, G replaced by A.
Protein change: p.Arg531His; replaces arginine 531 with histidine.
Molecular consequence: missense variant.
Genome position (GRCh38, 1-based): chr1:201,077,906, C>T on the plus strand (G>A on the coding strand, the complement: CACNA1S is on the minus strand). VCF-style: chr1-201077906-C-T. GRCh37 (hg19) VCF-style: chr1-201047034-C-T.
Other names: short protein forms R531H.
Identifiers: ClinVar variation 643922 (VCV000643922.30), dbSNP rs748711395, ClinGen allele CA078429.
Genomic context (GRCh38, chr1:201,077,906, plus strand): 5'-GACCCGGGAGTGCCAGCCGACCCCGGCACTCACTTGGTGATCTTGAAGATCCTCAGGAGG[C>T]GGATGCAGCGGAGCACGGAGATGCCCAGGGGTGTCATGGCACCCGACTCCACCAGCAGGA-3'
Protein context (NP_000060.2, residues 521-541): PLGISVLRCI[Arg531His]LLRIFKITKY